The following is an entry in ClinVar:

ClinVar aggregate classification (germline): Uncertain significance (1 of 4 stars; one submission).

Conditions:
Tumor predisposition syndrome 3 (TPDS3). Also called: Melanoma, cutaneous malignant, susceptibility to, 10; Glioma susceptibility 9; LONG TELOMERE SYNDROME, POT1-RELATED; POT1 Tumor Predisposition. Identifiers: Orphanet 618, MedGen C4014476, MONDO:0014368, OMIM 615848.

Submission:

Labcorp Genetics (formerly Invitae), Labcorp
Classification: Uncertain significance for Tumor predisposition syndrome 3. Last evaluated: 2022-01-16. Review status: criteria provided, single submitter. Criteria: Invitae Variant Classification Sherloc (09022015). Collection method: clinical testing. Allele origin: germline.
Comment: In summary, the available evidence is currently insufficient to determine the role of this variant in disease. Therefore, it has been classified as a Variant of Uncertain Significance. Algorithms developed to predict the effect of missense changes on protein structure and function are either unavailable or do not agree on the potential impact of this missense change (SIFT: "Deleterious"; PolyPhen-2: "Benign"; Align-GVGD: "Class C0"). This variant has not been reported in the literature in individuals affected with POT1-related conditions. This variant is not present in population databases (gnomAD no frequency). This sequence change replaces valine, which is neutral and non-polar, with alanine, which is neutral and non-polar, at codon 321 of the POT1 protein (p.Val321Ala).

NM_015450.3(POT1):c.962T>C (p.Val321Ala)

Gene: POT1 (protection of telomeres 1; minus strand). Cytogenetic location: 7q31.33.
Variant type: single nucleotide variant.
Coding change: c.962T>C on transcript NM_015450.3 (MANE Select); coding-DNA position 962, T replaced by C.
Protein change: p.Val321Ala; replaces valine 321 with alanine.
Molecular consequence: missense variant. On other transcripts: non-coding transcript variant (3).
Genome position (GRCh38, 1-based): chr7:124,846,986, A>G on the plus strand (T>C on the coding strand, the complement: POT1 is on the minus strand). VCF-style: chr7-124846986-A-G. GRCh37 (hg19) VCF-style: chr7-124487040-A-G.
Other names: c.569T>C, p.Val190Ala (NM_001042594.2); short protein forms V321A, V190A.
Identifiers: ClinVar variation 2084321 (VCV002084321.4), dbSNP rs2485418621, ClinGen allele CA369053831.
Genomic context (GRCh38, chr7:124,846,986, plus strand): 5'-TGATACATAGTCTTACTTGTAGCAGATAGCTGTTGACATCTTTCTACCTCGTATAATGAT[A>G]CTGATCCAGAGCCTATAAAAAGGAAAAGGCAAAAAAATTAAGTCCATTACAACTTCATTG-3'
Protein context (NP_056265.2, residues 311-331): PDDSFPSSGS[Val321Ala]SLYEVERCQQ